The following is an entry in ClinVar:

ClinVar aggregate classification (germline): Uncertain significance (1 of 4 stars; one submission).

Submission:

Labcorp Genetics (formerly Invitae), Labcorp
Classification: Uncertain significance. Last evaluated: 2024-04-29. Review status: criteria provided, single submitter. Criteria: Invitae Variant Classification Sherloc (09022015). Collection method: clinical testing. Allele origin: germline.
Comment: This variant, c.4930_4935del, results in the deletion of 2 amino acid(s) of the POLE protein (p.Ser1644_Gln1645del), but otherwise preserves the integrity of the reading frame. This variant is not present in population databases (gnomAD no frequency). This variant has not been reported in the literature in individuals affected with POLE-related conditions. ClinVar contains an entry for this variant (Variation ID: 1009259). Experimental studies and prediction algorithms are not available or were not evaluated, and the functional significance of this variant is currently unknown. In summary, the available evidence is currently insufficient to determine the role of this variant in disease. Therefore, it has been classified as a Variant of Uncertain Significance.

NM_006231.4(POLE):c.4930_4935del (p.Ser1644_Gln1645del)

Gene: POLE (DNA polymerase epsilon, catalytic subunit; minus strand). Cytogenetic location: 12q24.33.
Variant type: Deletion.
Coding change: c.4930_4935del on transcript NM_006231.4 (MANE Select); coding-DNA positions 4930 to 4935, 6 bases deleted (TCGCAG; older notation c.4930_4935delTCGCAG).
Protein change: p.Ser1644_Gln1645del.
Molecular consequence: inframe deletion.
Genome position (GRCh38, 1-based): chr12:132,642,523-132,642,528, CTGCGA deleted on the plus strand (TCGCAG on the coding strand, the reverse complement: POLE is on the minus strand); deleting any 6 consecutive bases within chr12:132,642,523-132,642,529 gives the same sequence; the c. name uses the placement nearest the transcript's 3' end. VCF-style (leftmost placement, unchanged base first): chr12-132642522-CCTGCGA-C. GRCh37 (hg19) VCF-style: chr12-133219108-CCTGCGA-C.
Identifiers: ClinVar variation 1009259 (VCV001009259.8), dbSNP rs2042169591, ClinGen allele CA2072987939.